The following is an entry in ClinVar:

NM_001267550.2(TTN):c.27329-1del

Gene: TTN (titin; minus strand). Cytogenetic location: 2q31.2.
Variant type: Deletion.
Coding change: c.27329-1del on transcript NM_001267550.2 (MANE Select); the canonical splice acceptor site of the intron before coding-DNA position 27329, one base deleted (G; older notation c.27329-1delG).
Molecular consequence: splice acceptor variant. On other transcripts: intron variant (3).
Genome position (GRCh38, 1-based): chr2:178,712,594, C deleted on the plus strand (G on the coding strand, the reverse complement: TTN is on the minus strand). VCF-style (leftmost placement, unchanged base first): chr2-178712593-GC-G. GRCh37 (hg19) VCF-style: chr2-179577320-GC-G.
Other names: c.23597-1delG (NM_133378.4); c.13282+25488del (NM_003319.4); c.13858+25488del (NM_133437.4); c.13657+25488del (NM_133432.3); c.23597-1del (NM_133378.4); c.26378-1del (NM_001256850.1).
Identifiers: ClinVar variation 2935103 (VCV002935103.4), dbSNP rs2528906126, ClinGen allele CA2662150583.

ClinVar aggregate classification (germline): Conflicting classifications of pathogenicity. Review status: criteria provided, conflicting classifications (1 of 4 stars). 2 submissions from 2 submitters: Likely pathogenic (1); Uncertain significance (1). Last evaluated 2023-11-08.

Conditions:
TTN-related myopathy. Identifiers: MedGen CN294812, MONDO:0100175.
Dilated cardiomyopathy 1G (CMD1G). Identifiers: Orphanet 154, MedGen C1858763, MONDO:0011400, OMIM 604145.
Autosomal recessive limb-girdle muscular dystrophy type 2J (LGMDR10). Also called: Limb-girdle muscular dystrophy, type 2J; MUSCULAR DYSTROPHY, LIMB-GIRDLE, AUTOSOMAL RECESSIVE 10. Identifiers: Orphanet 140922, MedGen C1837342, MONDO:0012127, OMIM 608807.

Allele frequency attached by ClinVar (database versions not stated): gnomAD exomes below 0.00001.

Submissions (2):

Labcorp Genetics (formerly Invitae), Labcorp
Classification: Likely pathogenic for Dilated cardiomyopathy 1G; Autosomal recessive limb-girdle muscular dystrophy type 2J. Last evaluated: 2023-11-08. Review status: criteria provided, single submitter. Criteria: Invitae Variant Classification Sherloc (09022015). Collection method: clinical testing. Allele origin: germline.
Comment: This sequence change affects a splice site in intron 94 of the TTN gene. It is expected to disrupt RNA splicing and likely results in a truncated or disrupted TTN protein. This variant is not present in population databases (gnomAD no frequency). This variant has not been reported in the literature in individuals affected with TTN-related conditions. Algorithms developed to predict the effect of sequence changes on RNA splicing suggest that this variant may disrupt the consensus splice site. This variant is located in the I band of TTN (PMID: 25589632). Truncating variants in this region have been reported in individuals affected with autosomal recessive centronuclear myopathy (PMID: 23975875). Truncating variants in this region have also been identified in individuals affected with autosomal dominant dilated cardiomyopathy and/or cardio-related conditions (PMID: 27869827, 32964742). In summary, the currently available evidence indicates that the variant is pathogenic, but additional data are needed to prove that conclusively. Therefore, this variant has been classified as Likely Pathogenic.

Department of Pathology and Laboratory Medicine, Sinai Health System
Classification: Uncertain significance for TTN-related myopathy. Last evaluated: 2020-08-20. Review status: criteria provided, single submitter. Criteria: ACMG Guidelines, 2015. Collection method: research. Allele origin: germline.

Literature cited by the submitters: PubMed 25589632 (cited by Labcorp Genetics (formerly Invitae), Labcorp); PubMed 23975875 (cited by Labcorp Genetics (formerly Invitae), Labcorp); PubMed 27869827 (cited by Labcorp Genetics (formerly Invitae), Labcorp); PubMed 32964742 (cited by Labcorp Genetics (formerly Invitae), Labcorp).